The following is an entry in ClinVar:

NM_003718.5(CDK13):c.3287T>G (p.Leu1096Arg)

Gene: CDK13 (cyclin dependent kinase 13; plus strand). Cytogenetic location: 7p14.1.
Variant type: single nucleotide variant.
Coding change: c.3287T>G on transcript NM_003718.5 (MANE Select); coding-DNA position 3287, T replaced by G.
Protein change: p.Leu1096Arg; replaces leucine 1096 with arginine.
Molecular consequence: missense variant. On other transcripts: intron variant (1).
Genome position (GRCh38, 1-based): chr7:40,092,836, T>G. VCF-style: chr7-40092836-T-G. GRCh37 (hg19) VCF-style: chr7-40132435-T-G.
Other names: c.3236-129T>G (NM_031267.3); short protein forms L1096R.
Identifiers: ClinVar variation 3701679 (VCV003701679.2).

ClinVar aggregate classification (germline): Uncertain significance (1 of 4 stars; one submission).

Submission:

Labcorp Genetics (formerly Invitae), Labcorp
Classification: Uncertain significance. Last evaluated: 2024-04-04. Review status: criteria provided, single submitter. Criteria: Invitae Variant Classification Sherloc (09022015). Collection method: clinical testing. Allele origin: germline.
Comment: This sequence change replaces leucine, which is neutral and non-polar, with arginine, which is basic and polar, at codon 1096 of the CDK13 protein (p.Leu1096Arg). This variant is not present in population databases (gnomAD no frequency). This variant has not been reported in the literature in individuals affected with CDK13-related conditions. Advanced modeling of protein sequence and biophysical properties (such as structural, functional, and spatial information, amino acid conservation, physicochemical variation, residue mobility, and thermodynamic stability) has been performed at Invitae for this missense variant, however the output from this modeling did not meet the statistical confidence thresholds required to predict the impact of this variant on CDK13 protein function. In summary, the available evidence is currently insufficient to determine the role of this variant in disease. Therefore, it has been classified as a Variant of Uncertain Significance.